The following is an entry in ClinVar:

NM_001386298.1(CIC):c.4066dup (p.Glu1356fs)

Gene: CIC (capicua transcriptional repressor; plus strand). Cytogenetic location: 19q13.2.
Variant type: Duplication.
Coding change: c.4066dup on transcript NM_001386298.1 (MANE Select); coding-DNA position 4066, one base duplicated (G; older notation c.4066dupG).
Protein change: p.Glu1356fs; shifts the reading frame from glutamic acid 1356.
Molecular consequence: frameshift variant.
Genome position (GRCh38, 1-based): chr19:42,289,385, G duplicated; the last of 2 consecutive G bases (chr19:42,289,384-42,289,385); duplicating either gives the same sequence. VCF-style (leftmost placement, unchanged base first): chr19-42289383-A-AG. GRCh37 (hg19) VCF-style: chr19-42793535-A-AG.
Other names: c.4066dup, p.Glu1356fs (NM_001304815.2, NM_001379480.1, NM_001379482.1); c.4066dup, p.Glu1356Glyfs (NM_001379483.1); c.1339dup, p.Glu447fs (NM_001379484.1, NM_001379485.1, NM_015125.5); c.1339dupG (NM_015125.4); short protein forms E1356fs, E447fs.
Identifiers: ClinVar variation 3061146 (VCV003061146.2), dbSNP rs2513892504, ClinGen allele CA2740096922.
Genomic context (GRCh38, chr19:42,289,383, plus strand): 5'-CTCAGCGTGCGGCCAGTGAGGACATGACGAGTGATGAGGAGCGCATGGTCATCTGTGAGG[A>AG]GGAAGGGGATGATGATGTCATTGGTGAGCATTGCAGGGCCCAGAATCTTGCCCAGGACCC-3'

ClinVar aggregate classification (germline): Likely pathogenic (0 of 4 stars; one submission).

Conditions:
CIC-related disorder. Also called: CIC-related condition.

Submission:

PreventionGenetics, part of Exact Sciences
Classification: Likely pathogenic for CIC-related condition. Last evaluated: 2024-02-29. Review status: no assertion criteria provided. Collection method: clinical testing. Allele origin: germline.
Comment: The CIC c.1339dupG variant is predicted to result in a frameshift and premature protein termination (p.Glu447Glyfs*4). To our knowledge, this variant has not been reported in the literature or in a large population database, indicating this variant is rare. Frameshift variants in CIC are expected to be pathogenic. This variant is interpreted as likely pathogenic.